The following is an entry in ClinVar:

ClinVar aggregate classification (germline): Pathogenic (1 of 4 stars; one submission).

Conditions:
Abetalipoproteinaemia (ABL). Also called: MTP DEFICIENCY; Abetalipoproteinemia; Abetalipoproteinemia neuropathy; Apolipoprotein B deficiency; Congenital betalipoprotein deficiency syndrome. Identifiers: Orphanet 14, MedGen C0000744, MONDO:0008692, OMIM 200100, HP:0008181.

Submission:

Myriad Genetics, Inc.
Classification: Pathogenic for Abetalipoproteinaemia. Last evaluated: 2024-05-14. Review status: criteria provided, single submitter. Criteria: Myriad Autosomal Dominant, Autosomal Recessive and X-Linked Classification Criteria (2023). Collection method: clinical testing. Allele origin: unknown.
Comment: NM_000253.2(MTTP):c.2210_2211del2ins18(H737Rfs*4) is expected to be pathogenic in the context of abetalipoproteinemia. This variant is predicted to lead to an abnormal or absent protein product due to the creation of a premature termination codon in MTTP, a gene where loss-of-function variants are known to be pathogenic. Please note: this variant was assessed in the context of healthy population screening.

NM_001386140.1(MTTP):c.2210_2211delinsGATGTGTATAAGAGACAG (p.His737delinsArgCysValTer)

Gene: MTTP (microsomal triglyceride transfer protein; plus strand). Cytogenetic location: 4q23.
Variant type: Indel.
Coding change: c.2210_2211delinsGATGTGTATAAGAGACAG on transcript NM_001386140.1 (MANE Select); coding-DNA positions 2210 to 2211, AT replaced by GATGTGTATAAGAGACAG.
Protein change: p.His737delinsArgCysValTer.
Molecular consequence: nonsense.
Genome position (GRCh38, 1-based): chr4:99,613,133-99,613,134, AT replaced by GATGTGTATAAGAGACAG. VCF-style: chr4-99613133-AT-GATGTGTATAAGAGACAG. GRCh37 (hg19) VCF-style: chr4-100534290-AT-GATGTGTATAAGAGACAG.
Other names: c.2210_2211delinsGATGTGTATAAGAGACAG, p.His737delinsArgCysValTer (NM_000253.4); c.1961_1962delinsGATGTGTATAAGAGACAG, p.His654delinsArgCysValTer (NM_001300785.2).
Identifiers: ClinVar variation 5010889 (VCV005010889.1).